The following is an entry in ClinVar:

NM_173854.6(SLC41A1):c.139G>T (p.Val47Leu)

Gene: SLC41A1 (solute carrier family 41 member 1; minus strand). Cytogenetic location: 1q32.1.
Variant type: single nucleotide variant.
Coding change: c.139G>T on transcript NM_173854.6 (MANE Select); coding-DNA position 139, G replaced by T.
Protein change: p.Val47Leu; replaces valine 47 with leucine.
Molecular consequence: missense variant.
Genome position (GRCh38, 1-based): chr1:205,810,303, C>A on the plus strand (G>T on the coding strand, the complement: SLC41A1 is on the minus strand). VCF-style: chr1-205810303-C-A. GRCh37 (hg19) VCF-style: chr1-205779431-C-A.
Other names: short protein forms V47L.
Identifiers: ClinVar variation 2111424 (VCV002111424.4), dbSNP rs144042954, ClinGen allele CA36481930.
Genomic context (GRCh38, chr1:205,810,303, plus strand): 5'-GCAGGGCGTCCTCCTCCCGAACCCCCTTGGCGTTGGCCCGAGACTCAATCACCACCTCTA[C>A]CCCAGCCCCATCAGGCCCCAGGAACTCTGAGGTCCCAGCCAAGGGCTCTCTCCCTGGGCC-3'
Protein context (NP_776253.3, residues 37-57): SEFLGPDGAG[Val47Leu]EVVIESRANA

ClinVar aggregate classification (germline): Uncertain significance (1 of 4 stars; one submission).

gnomAD v4.1: 26 of 1,614,204 alleles (0.0016%); highest among the groups gnomAD compares: Non-Finnish European, 0.0022%; no homozygotes.

Submission:

Labcorp Genetics (formerly Invitae), Labcorp
Classification: Uncertain significance. Last evaluated: 2022-07-29. Review status: criteria provided, single submitter. Criteria: Invitae Variant Classification Sherloc (09022015). Collection method: clinical testing. Allele origin: germline.
Comment: In summary, the available evidence is currently insufficient to determine the role of this variant in disease. Therefore, it has been classified as a Variant of Uncertain Significance. Algorithms developed to predict the effect of missense changes on protein structure and function (SIFT, PolyPhen-2, Align-GVGD) all suggest that this variant is likely to be tolerated. This variant has not been reported in the literature in individuals affected with SLC41A1-related conditions. This variant is present in population databases (no rsID available, gnomAD 0.0009%). This sequence change replaces valine, which is neutral and non-polar, with leucine, which is neutral and non-polar, at codon 47 of the SLC41A1 protein (p.Val47Leu).